The following is an entry in ClinVar:

ClinVar aggregate classification (germline): Uncertain significance. Review status: criteria provided, multiple submitters, no conflicts (2 of 4 stars). 3 submissions from 3 submitters: Uncertain significance (3). Last evaluated 2026-01-30.

Conditions:
Hereditary cancer-predisposing syndrome. Also called: Hereditary neoplastic syndrome; Tumor predisposition; Neoplastic Syndromes, Hereditary; Hereditary Cancer Syndrome. Identifiers: Orphanet 140162, MedGen C0027672, MeSH D009386, MONDO:0015356.
Ataxia-telangiectasia syndrome (AT). Also called: Ataxia-telangiectasia, complementation group D; AT, COMPLEMENTATION GROUP C; Cerebello-oculocutaneous telangiectasia; Immunodeficiency with ataxia telangiectasia; Ataxia-telangiectasia, complementation group E; Ataxia telangiectasia (A-T). Identifiers: Orphanet 100, MedGen C0004135, MONDO:0008840, OMIM 208900.

Submissions (3):

Labcorp Genetics (formerly Invitae), Labcorp
Classification: Uncertain significance for Ataxia-telangiectasia syndrome. Last evaluated: 2026-01-30. Review status: criteria provided, single submitter. Criteria: Invitae Variant Classification Sherloc (09022015). Collection method: clinical testing. Allele origin: germline.
Comment: This sequence change replaces leucine, which is neutral and non-polar, with valine, which is neutral and non-polar, at codon 318 of the ATM protein (p.Leu318Val). This variant is not present in population databases (gnomAD no frequency). This variant has not been reported in the literature in individuals affected with ATM-related conditions. ClinVar contains an entry for this variant (Variation ID: 2453952). Invitae Evidence Modeling of protein sequence and biophysical properties (such as structural, functional, and spatial information, amino acid conservation, physicochemical variation, residue mobility, and thermodynamic stability) indicates that this missense variant is not expected to disrupt ATM protein function with a negative predictive value of 95%. In summary, the available evidence is currently insufficient to determine the role of this variant in disease. Therefore, it has been classified as a Variant of Uncertain Significance.

Women's Health and Genetics/Laboratory Corporation of America, LabCorp
Classification: Uncertain significance. Last evaluated: 2025-06-21. Review status: criteria provided, single submitter. Criteria: LabCorp Variant Classification Summary - May 2015. Collection method: clinical testing. Allele origin: germline.

Ambry Genetics
Classification: Uncertain significance for Hereditary cancer-predisposing syndrome. Last evaluated: 2022-12-26. Review status: criteria provided, single submitter. Criteria: Ambry Variant Classification Scheme 2023. Collection method: clinical testing. Allele origin: germline.
Comment: The p.L318V variant (also known as c.952C>G), located in coding exon 7 of the ATM gene, results from a C to G substitution at nucleotide position 952. The leucine at codon 318 is replaced by valine, an amino acid with highly similar properties. This amino acid position is conserved. In addition, this alteration is predicted to be tolerated by in silico analysis. Since supporting evidence is limited at this time, the clinical significance of this alteration remains unclear.

NM_000051.4(ATM):c.952C>G (p.Leu318Val)

Gene: ATM (ATM serine/threonine kinase; plus strand). Cytogenetic location: 11q22.3.
Variant type: single nucleotide variant.
Coding change: c.952C>G on transcript NM_000051.4 (MANE Select); coding-DNA position 952, C replaced by G.
Protein change: p.Leu318Val; replaces leucine 318 with valine.
Molecular consequence: missense variant.
Genome position (GRCh38, 1-based): chr11:108,247,014, C>G. VCF-style: chr11-108247014-C-G. GRCh37 (hg19) VCF-style: chr11-108117741-C-G.
Other names: c.952C>G, p.Leu318Val (NM_001351834.2); short protein forms L318V.
Identifiers: ClinVar variation 2453952 (VCV002453952.5), dbSNP rs2079881411, ClinGen allele CA382530893.